The following is an entry in ClinVar:

ClinVar aggregate classification (germline): Conflicting classifications of pathogenicity. Review status: criteria provided, conflicting classifications (1 of 4 stars). 4 submissions from 4 submitters: Uncertain significance (2); Likely benign (2). Last evaluated 2025-03-06.

Conditions:
Meier-Gorlin syndrome 6. Identifiers: Orphanet 2554, MedGen C4225188, MONDO:0014794, OMIM 616835. Disease mechanism: gain of function.
Inborn genetic diseases. Identifiers: MedGen C0950123, MeSH D030342.

Allele frequency attached by ClinVar (database versions not stated): gnomAD 0.00002 and 0.00005; TOPMed 0.00002; gnomAD exomes 0.00006; ExAC 0.00009.
gnomAD v4.1: 45 of 1,579,494 alleles (0.0028%); highest among the groups gnomAD compares: Middle Eastern, 0.067%; no homozygotes.

Submissions (4):

Ambry Genetics
Classification: Likely benign for Inborn genetic diseases. Last evaluated: 2025-03-06. Review status: criteria provided, single submitter. Criteria: Ambry Variant Classification Scheme 2023. Collection method: clinical testing. Allele origin: germline.

Labcorp Genetics (formerly Invitae), Labcorp
Classification: Uncertain significance. Last evaluated: 2024-06-28. Review status: criteria provided, single submitter. Criteria: Invitae Variant Classification Sherloc (09022015). Collection method: clinical testing. Allele origin: germline.
Comment: This sequence change replaces proline, which is neutral and non-polar, with serine, which is neutral and polar, at codon 22 of the GMNN protein (p.Pro22Ser). This variant is present in population databases (rs774279982, gnomAD 0.03%). This variant has not been reported in the literature in individuals affected with GMNN-related conditions. ClinVar contains an entry for this variant (Variation ID: 1006625). An algorithm developed to predict the effect of missense changes on protein structure and function (PolyPhen-2) suggests that this variant is likely to be disruptive. In summary, the available evidence is currently insufficient to determine the role of this variant in disease. Therefore, it has been classified as a Variant of Uncertain Significance.

CeGaT Center for Human Genetics Tuebingen
Classification: Likely benign. Last evaluated: 2024-04-01. Review status: criteria provided, single submitter. Criteria: CeGaT Center For Human Genetics Tuebingen Variant Classification Criteria Version 2. Collection method: clinical testing. Allele origin: germline. Affected: yes. Observed: 1 variant allele.
Comment: GMNN: BP4

Department of Pathology and Laboratory Medicine, Sinai Health System
Classification: Uncertain significance for Meier-Gorlin syndrome 6. Last evaluated: 2022-07-27. Review status: criteria provided, single submitter. Criteria: ACMG Guidelines, 2015. Collection method: research. Allele origin: germline.

NM_015895.5(GMNN):c.64C>T (p.Pro22Ser)

Gene: GMNN (geminin DNA replication inhibitor; plus strand). Cytogenetic location: 6p22.3.
Variant type: single nucleotide variant.
Coding change: c.64C>T on transcript NM_015895.5 (MANE Select); coding-DNA position 64, C replaced by T.
Protein change: p.Pro22Ser; replaces proline 22 with serine.
Molecular consequence: missense variant.
Genome position (GRCh38, 1-based): chr6:24,780,675, C>T. VCF-style: chr6-24780675-C-T. GRCh37 (hg19) VCF-style: chr6-24780903-C-T.
Other names: c.64C>T, p.Pro22Ser (NM_001251989.2, NM_001251990.2, NM_001251991.1); c.64C>T (NM_015895.3); short protein forms P22S.
Identifiers: ClinVar variation 1006625 (VCV001006625.31), dbSNP rs774279982, ClinGen allele CA3658803.